The following is an entry in ClinVar:

NM_007289.4(MME):c.949A>G (p.Asn317Asp)

Gene: MME (membrane metalloendopeptidase; plus strand). Cytogenetic location: 3q25.2.
Variant type: single nucleotide variant.
Coding change: c.949A>G on transcript NM_007289.4 (MANE Select); coding-DNA position 949, A replaced by G.
Protein change: p.Asn317Asp; replaces asparagine 317 with aspartic acid.
Molecular consequence: missense variant.
Genome position (GRCh38, 1-based): chr3:155,140,284, A>G. VCF-style: chr3-155140284-A-G. GRCh37 (hg19) VCF-style: chr3-154858073-A-G.
Other names: c.949A>G, p.Asn317Asp (NM_000902.5, NM_001354642.2, NM_001354643.1 and 2 more transcripts); short protein forms N317D.
Identifiers: ClinVar variation 1803627 (VCV001803627.1), dbSNP rs775975174, ClinGen allele CA2675331.
Genomic context (GRCh38, chr3:155,140,284, plus strand): 5'-ATGCTTCTGTATAACAAGATGACATTGGCCCAGATCCAAAATAACTTTTCACTAGAGATC[A>G]ATGGGAAGGTAAGTGGTAAGTTTTTTGTGCTCTCTTATTGTGCCGTTTTCTAAATTATAA-3'
Protein context (NP_009220.2, residues 307-327): QIQNNFSLEI[Asn317Asp]GKPFSWLNFT

ClinVar aggregate classification (germline): Uncertain significance (1 of 4 stars; one submission).

Allele frequency attached by ClinVar (database versions not stated): gnomAD exomes below 0.00001; TOPMed below 0.00001; ExAC 0.00001; gnomAD 0.00001.
gnomAD v4.1: 2 of 1,605,708 alleles (0.00012%); highest among the groups gnomAD compares: Admixed American, 0.0017%; no homozygotes.

Submission:

GeneDx
Classification: Uncertain significance. Last evaluated: 2022-06-08. Review status: criteria provided, single submitter. Criteria: GeneDx Variant Classification Process June 2021. Collection method: clinical testing. Allele origin: germline. Affected: yes.
Comment: In silico analysis supports that this missense variant does not alter protein structure/function; Has not been previously published as pathogenic or benign to our knowledge